The following is an entry in ClinVar:

ClinVar aggregate classification (germline): Uncertain significance. Review status: criteria provided, multiple submitters, no conflicts (2 of 4 stars). 3 submissions from 3 submitters: Uncertain significance (3). Last evaluated 2023-02-25.

Conditions:
Hereditary cancer-predisposing syndrome. Also called: Tumor predisposition; Hereditary neoplastic syndrome; Neoplastic Syndromes, Hereditary; Hereditary Cancer Syndrome. Identifiers: Orphanet 140162, MedGen C0027672, MeSH D009386, MONDO:0015356.
Oligodontia-cancer predisposition syndrome. Also called: TOOTH AGENESIS-COLORECTAL CANCER SYNDROME. Identifiers: Orphanet 300576, MedGen C1837750, MONDO:0012075, OMIM 608615. Disease mechanism: loss of function.

Submissions (3):

Ambry Genetics
Classification: Uncertain significance for Hereditary cancer-predisposing syndrome. Last evaluated: 2023-02-25. Review status: criteria provided, single submitter. Criteria: Ambry Variant Classification Scheme 2023. Collection method: clinical testing. Allele origin: germline.
Comment: The p.H471Q variant (also known as c.1413C>A), located in coding exon 5 of the AXIN2 gene, results from a C to A substitution at nucleotide position 1413. The histidine at codon 471 is replaced by glutamine, an amino acid with highly similar properties. This amino acid position is conserved. In addition, this alteration is predicted to be tolerated by in silico analysis. Since supporting evidence is limited at this time, the clinical significance of this alteration remains unclear.

Sema4
Classification: Uncertain significance for Hereditary cancer-predisposing syndrome. Last evaluated: 2021-12-14. Review status: criteria provided, single submitter. Criteria: Sema4 Curation Guidelines. Collection method: curation. Allele origin: germline.
Comment: The AXIN2 c.1413C>A (p.H471Q) variant has not been reported in the literature to our knowledge. It was not observed in the large and broad cohorts of the Genome Aggregation Database (PMID: (PMID: 32461654). This variant has been reported in ClinVar (Variation ID 1007407). In silico tools suggest the impact of the variant on protein function is benign, though these predictions have not been confirmed by functional studies. The overall evidence is insufficient to meet ACMG/AMP criteria for classifying it as benign or pathogenic. In summary, the clinical significance of this variant is currently uncertain.

Labcorp Genetics (formerly Invitae), Labcorp
Classification: Uncertain significance for Oligodontia-cancer predisposition syndrome. Last evaluated: 2021-10-12. Review status: criteria provided, single submitter. Criteria: Invitae Variant Classification Sherloc (09022015). Collection method: clinical testing. Allele origin: germline.
Comment: Algorithms developed to predict the effect of missense changes on protein structure and function (SIFT, PolyPhen-2, Align-GVGD) all suggest that this variant is likely to be tolerated. In summary, the available evidence is currently insufficient to determine the role of this variant in disease. Therefore, it has been classified as a Variant of Uncertain Significance. This variant has not been reported in the literature in individuals affected with AXIN2-related conditions. This variant is not present in population databases (ExAC no frequency). This sequence change replaces histidine with glutamine at codon 471 of the AXIN2 protein (p.His471Gln). The histidine residue is moderately conserved and there is a small physicochemical difference between histidine and glutamine.

NM_004655.4(AXIN2):c.1413C>A (p.His471Gln)

Gene: AXIN2 (axin 2; minus strand). Cytogenetic location: 17q24.1.
Variant type: single nucleotide variant.
Coding change: c.1413C>A on transcript NM_004655.4 (MANE Select); coding-DNA position 1413, C replaced by A.
Protein change: p.His471Gln; replaces histidine 471 with glutamine.
Molecular consequence: missense variant.
Genome position (GRCh38, 1-based): chr17:65,537,623, G>T on the plus strand (C>A on the coding strand, the complement: AXIN2 is on the minus strand). VCF-style: chr17-65537623-G-T. GRCh37 (hg19) VCF-style: chr17-63533741-G-T.
Other names: c.1413C>A, p.His471Gln (NM_001363813.1); short protein forms H471Q.
Identifiers: ClinVar variation 1007407 (VCV001007407.9), dbSNP rs1213025395, ClinGen allele CA400677553.
Genomic context (GRCh38, chr17:65,537,623, plus strand): 5'-GGCCGCGGGAGGCAGCTTGCCACCGGGCGGGAGCAGGGAGTGGTACTGCGAATGGTGGTG[G>T]TGGTGGTGGTCCGGGGAGCGGGAGCGGGGGCTATAGCGGCCTACGCCTGGAGACTGGCAG-3'
Protein context (NP_004646.3, residues 461-481): SPRSRSPDHH[His471Gln]HHHSQYHSLL